The following is an entry in ClinVar:

NM_004360.5(CDH1):c.2073_2076delinsTGCC (p.Ala691_Ala692=)

Gene: CDH1 (cadherin 1; plus strand). Cytogenetic location: 16q22.1.
Variant type: Indel.
Coding change: c.2073_2076delinsTGCC on transcript NM_004360.5 (MANE Select); coding-DNA positions 2073 to 2076, CGCT replaced by TGCC.
Protein change: p.Ala691_Ala692=.
Molecular consequence: synonymous variant.
Genome position (GRCh38, 1-based): chr16:68,823,535-68,823,538, CGCT replaced by TGCC. VCF-style: chr16-68823535-CGCT-TGCC. GRCh37 (hg19) VCF-style: chr16-68857438-CGCT-TGCC.
Other names: c.1890_1893delinsTGCC, p.Ala630_Ala631= (NM_001317184.2); c.525_528delinsTGCC, p.Ala175_Ala176= (NM_001317185.2); c.108_111delinsTGCC, p.Ala36_Ala37= (NM_001317186.2).
Identifiers: ClinVar variation 3378706 (VCV003378706.1).

ClinVar aggregate classification (germline): Benign (1 of 4 stars; one submission).

Conditions:
Hereditary diffuse gastric adenocarcinoma (HDGC). Also called: DIFFUSE GASTRIC AND LOBULAR BREAST CANCER SYNDROME. Identifiers: Orphanet 26106, MedGen C1708349, MONDO:0007648, OMIM 137215.

Submission:

Myriad Genetics, Inc.
Classification: Benign for Hereditary diffuse gastric adenocarcinoma. Last evaluated: 2024-09-20. Review status: criteria provided, single submitter. Criteria: Myriad Autosomal Dominant, Autosomal Recessive and X-Linked Classification Criteria (2023). Collection method: clinical testing. Allele origin: unknown.
Comment: This variant is considered benign. This variant is a silent/synonymous amino acid change and it is not expected to impact splicing.